The following is an entry in ClinVar:

ClinVar aggregate classification (germline): Uncertain significance. Review status: criteria provided, multiple submitters, no conflicts (2 of 4 stars). 3 submissions from 3 submitters: Uncertain significance (3). Last evaluated 2025-05-11.

Conditions:
Polymerase proofreading-related adenomatous polyposis. Also called: Polymerase proofreading associated polyposis; Polymerase proofreading–associated polyposis (PPAP). Identifiers: Orphanet 447877, MedGen C5202613, MONDO:0018653.
Familial colorectal cancer type X. Identifiers: Orphanet 440437, MedGen C3896578, MONDO:0018604.
Hereditary cancer-predisposing syndrome. Also called: Tumor predisposition; Hereditary neoplastic syndrome; Neoplastic Syndromes, Hereditary; Hereditary Cancer Syndrome. Identifiers: Orphanet 140162, MedGen C0027672, MeSH D009386, MONDO:0015356.

Allele frequency attached by ClinVar (database versions not stated): gnomAD exomes below 0.00001.
gnomAD v4.1: 5 of 1,613,466 alleles (0.00031%); highest among the groups gnomAD compares: South Asian, 0.0011%; no homozygotes.

Submissions (3):

Ambry Genetics
Classification: Uncertain significance for Hereditary cancer-predisposing syndrome. Last evaluated: 2025-05-11. Review status: criteria provided, single submitter. Criteria: Ambry Variant Classification Scheme 2023. Collection method: clinical testing. Allele origin: germline.
Comment: The p.C1612Y variant (also known as c.4835G>A), located in coding exon 37 of the POLE gene, results from a G to A substitution at nucleotide position 4835. The cysteine at codon 1612 is replaced by tyrosine, an amino acid with highly dissimilar properties. This amino acid position is conserved. In addition, this alteration is predicted to be tolerated by in silico analysis. Since supporting evidence is limited at this time, the clinical significance of this alteration remains unclear.

Department of Pathology and Laboratory Medicine, Sinai Health System
Classification: Uncertain significance for Polymerase proofreading-related adenomatous polyposis; Familial colorectal cancer type X. Last evaluated: 2023-05-29. Review status: criteria provided, single submitter. Criteria: ACMG Guidelines, 2015. Collection method: clinical testing. Allele origin: germline. Affected: yes.

Labcorp Genetics (formerly Invitae), Labcorp
Classification: Uncertain significance. Last evaluated: 2022-05-15. Review status: criteria provided, single submitter. Criteria: Invitae Variant Classification Sherloc (09022015). Collection method: clinical testing. Allele origin: germline.
Comment: This variant has not been reported in the literature in individuals affected with POLE-related conditions. This variant is present in population databases (no rsID available, gnomAD 0.003%). This sequence change replaces cysteine, which is neutral and slightly polar, with tyrosine, which is neutral and polar, at codon 1612 of the POLE protein (p.Cys1612Tyr). ClinVar contains an entry for this variant (Variation ID: 958380). In summary, the available evidence is currently insufficient to determine the role of this variant in disease. Therefore, it has been classified as a Variant of Uncertain Significance. Algorithms developed to predict the effect of missense changes on protein structure and function (SIFT, PolyPhen-2, Align-GVGD) all suggest that this variant is likely to be tolerated.

NM_006231.4(POLE):c.4835G>A (p.Cys1612Tyr)

Gene: POLE (DNA polymerase epsilon, catalytic subunit; minus strand). Cytogenetic location: 12q24.33.
Variant type: single nucleotide variant.
Coding change: c.4835G>A on transcript NM_006231.4 (MANE Select); coding-DNA position 4835, G replaced by A.
Protein change: p.Cys1612Tyr; replaces cysteine 1612 with tyrosine.
Molecular consequence: missense variant.
Genome position (GRCh38, 1-based): chr12:132,642,623, C>T on the plus strand (G>A on the coding strand, the complement: POLE is on the minus strand). VCF-style: chr12-132642623-C-T. GRCh37 (hg19) VCF-style: chr12-133219209-C-T.
Other names: short protein forms C1612Y.
Identifiers: ClinVar variation 958380 (VCV000958380.14), dbSNP rs1411134935, ClinGen allele CA387378238.
Genomic context (GRCh38, chr12:132,642,623, plus strand): 5'-ATGCGCCGGGCTCCATGGCGCTGCCAGTCCAGGACCCCATAGTTGATCTTGTCAGCCACA[C>T]AGATAGGCACCAGTGGGAATTCCTCCAAGACAGGAATTTCACTGGCCAGCCTCTTCAGCT-3'
Protein context (NP_006222.2, residues 1602-1622): VLEEFPLVPI[Cys1612Tyr]VADKINYGVL